The following is an entry in ClinVar:

ClinVar aggregate classification (germline): Likely benign. Review status: criteria provided, multiple submitters, no conflicts (2 of 4 stars). 3 submissions from 3 submitters: Likely benign (3). Last evaluated 2018-01-13.

Conditions:
Neurodegeneration with brain iron accumulation 4 (NBIA4). Also called: MITOCHONDRIAL PROTEIN-ASSOCIATED NEURODEGENERATION. Identifiers: Orphanet 289560, MedGen C3280371, MONDO:0013674, OMIM 614298. Disease mechanism: loss of function.

Allele frequency attached by ClinVar (database versions not stated): TOPMed 0.00026; gnomAD 0.00030 and 0.00034; ESP Exome Variant Server 0.00064; gnomAD exomes 0.00080; ExAC 0.00169.

Submissions (3):

Illumina Laboratory Services, Illumina
Classification: Likely benign for Neurodegeneration with brain iron accumulation 4. Last evaluated: 2018-01-13. Review status: criteria provided, single submitter. Criteria: ICSL Variant Classification Criteria 13 December 2019. Collection method: clinical testing. Allele origin: germline.
Comment: This variant was observed in the ICSL laboratory as part of a predisposition screen in an ostensibly healthy population. It had not been previously curated by ICSL or reported in the Human Gene Mutation Database (HGMD: prior to June 1st, 2018), and was therefore a candidate for classification through an automated scoring system. Utilizing variant allele frequency, disease prevalence and penetrance estimates, and inheritance mode, an automated score was calculated to assess if this variant is too frequent to cause the disease. Based on the score and internal cut-off values, a variant classified as likely benign is not then subjected to further curation. The score for this variant resulted in a classification of likely benign for this disease.

GeneDx
Classification: Likely benign. Last evaluated: 2017-12-11. Review status: criteria provided, single submitter. Criteria: GeneDx Variant Classification (06012015). Collection method: clinical testing. Allele origin: germline. Affected: yes.
Comment: This variant is considered likely benign or benign based on one or more of the following criteria: it is a conservative change, it occurs at a poorly conserved position in the protein, it is predicted to be benign by multiple in silico algorithms, and/or has population frequency not consistent with disease.

Breakthrough Genomics
Classification: Likely benign. Review status: criteria provided, single submitter. Criteria: ACMG Guidelines, 2015. Collection method: not provided. Allele origin: germline. Inheritance: Autosomal recessive inheritance. Affected: yes.

NM_031448.6(C19orf12):c.-11+149G>C

Genes: C19orf12 (chromosome 19 open reading frame 12; minus strand), LOC130064129 (ATAC-STARR-seq lymphoblastoid silent region 10465; plus strand). Cytogenetic location: 19q12.
Variant type: single nucleotide variant.
Coding change: c.-11+149G>C on transcript NM_031448.6 (MANE Select); 149 bases into the intron after 11 bases upstream of the start codon, G replaced by C.
Molecular consequence: intron variant. On other transcripts: 5 prime UTR variant (2).
Genome position (GRCh38, 1-based): chr19:29,714,976, C>G on the plus strand (G>C on the coding strand, the complement: C19orf12 is on the minus strand). VCF-style: chr19-29714976-C-G. GRCh37 (hg19) VCF-style: chr19-30205883-C-G.
Other names: c.-80G>C (NM_001031726.4); c.-102G>C (NM_001282929.1); c.-11+587G>C (NM_001256047.2); c.-33+149G>C (NM_001282930.3); c.-11+149G>C (NM_001256046.3); c.-324+149G>C (NM_001282931.3).
Identifiers: ClinVar variation 328735 (VCV000328735.6), dbSNP rs367660476, ClinGen allele CA9352020.
Genomic context (GRCh38, chr19:29,714,976, plus strand): 5'-TTCAGCCTCTCCATGCCTCAGTTTCTCCATAGGGACAATGACTACACTAACAGTGTCCAC[C>G]CCGGCACCGGGAGGGCCGGGCTCCCGGCAGGGCGGGGACCCTCTCCCCAAGGCACTCCCG-3'